The following is an entry in ClinVar:

ClinVar aggregate classification (germline): Pathogenic/Likely pathogenic. Review status: criteria provided, multiple submitters, no conflicts (2 of 4 stars). 9 submissions from 8 submitters: Pathogenic (6); Likely pathogenic (2). 1 of the submissions does not count toward it. Last evaluated 2025-08-04.

Conditions:
RAG1-related disorder. Also called: RAG1-related disorders; RAG1-related condition.
Severe combined immunodeficiency, autosomal recessive, T cell-negative, B cell-negative, NK cell-positive. Also called: SCID, AR, T-cell negative, B-cell negative, NK cell-positive; Severe combined immunodeficiency due to complete RAG1/2 deficiency; SCID, T CELL-NEGATIVE, B CELL-NEGATIVE, NK CELL-POSITIVE. Identifiers: Orphanet 331206, MedGen C1832322, MONDO:0011086, OMIM 601457.
Combined immunodeficiency with skin granulomas. Identifiers: Orphanet 157949, MedGen C2673536, MONDO:0009306, OMIM 233650.
Combined immunodeficiency due to partial RAG1 deficiency. Identifiers: Orphanet 231154, MedGen C1835931, MONDO:0012359, OMIM 609889.
Histiocytic medullary reticulosis. Also called: Omenn syndrome; SEVERE COMBINED IMMUNODEFICIENCY WITH HYPEREOSINOPHILIA. Identifiers: Orphanet 39041, MedGen C2700553, MONDO:0011338, OMIM 603554.

Allele frequency attached by ClinVar (database versions not stated): gnomAD exomes 0.00001 and 0.00002; ExAC 0.00002; gnomAD 0.00002; TOPMed 0.00002.

Submissions (9):

Centre of Medical Genetics, University Hospital Muenster
Classification: Likely pathogenic. Last evaluated: 2025-08-04. Review status: criteria provided, single submitter. Criteria: ACMG Guidelines, 2015. Collection method: clinical testing. Allele origin: unknown. Affected: yes. Observed: 1 variant allele, 1 heterozygote.
Comment: ACMG categories: PS3_mod,PM1_sup,PM2_sup,PM3_strong

Labcorp Genetics (formerly Invitae), Labcorp
Classification: Pathogenic for Combined immunodeficiency with skin granulomas; Severe combined immunodeficiency, autosomal recessive, T cell-negative, B cell-negative, NK cell-positive. Last evaluated: 2025-02-13. Review status: criteria provided, single submitter. Criteria: Invitae Variant Classification Sherloc (09022015). Collection method: clinical testing. Allele origin: germline.
Comment: This sequence change replaces arginine, which is basic and polar, with histidine, which is basic and polar, at codon 561 of the RAG1 protein (p.Arg561His). This variant is present in population databases (rs104894284, gnomAD 0.003%). This missense change has been observed in individuals with severe combined immunodeficiency (SCID) and Omenn syndrome (PMID: 9630231, 16211094, 24290284, 28783691). ClinVar contains an entry for this variant (Variation ID: 13143). Invitae Evidence Modeling of protein sequence and biophysical properties (such as structural, functional, and spatial information, amino acid conservation, physicochemical variation, residue mobility, and thermodynamic stability) has been performed for this missense variant. However, the output from this modeling did not meet the statistical confidence thresholds required to predict the impact of this variant on RAG1 protein function. Experimental studies have shown that this missense change affects RAG1 function (PMID: 9630231, 14670978, 24290284). This variant disrupts the p.Arg561 amino acid residue in RAG1. Other variant(s) that disrupt this residue have been determined to be pathogenic (PMID: 9630231, 11133745, 24290284, 26596586). This suggests that this residue is clinically significant, and that variants that disrupt this residue are likely to be disease-causing. For these reasons, this variant has been classified as Pathogenic.

Genomic Medicine Center of Excellence, King Faisal Specialist Hospital and Research Centre
Classification: Pathogenic for Severe combined immunodeficiency, autosomal recessive, T cell-negative, B cell-negative, NK cell-positive. Last evaluated: 2024-12-18. Review status: criteria provided, single submitter. Criteria: ACMG Guidelines, 2015. Collection method: clinical testing. Allele origin: germline.

Fulgent Genetics
Classification: Pathogenic for Combined immunodeficiency with skin granulomas; Severe combined immunodeficiency, autosomal recessive, T cell-negative, B cell-negative, NK cell-positive; Histiocytic medullary reticulosis; Combined immunodeficiency due to partial RAG1 deficiency. Last evaluated: 2024-05-04. Review status: criteria provided, single submitter. Criteria: ACMG Guidelines, 2015. Collection method: clinical testing. Allele origin: germline.

Baylor Genetics
Classification: Pathogenic for Combined immunodeficiency due to partial RAG1 deficiency. Last evaluated: 2024-03-06. Review status: criteria provided, single submitter. Criteria: ACMG Guidelines, 2015. Collection method: clinical testing. Allele origin: unknown.

Blueprint Genetics
Classification: Pathogenic for RAG1-related disorders. Last evaluated: 2022-07-17. Review status: criteria provided, single submitter. Criteria: ACMG Guidelines, 2015. Collection method: clinical testing. Allele origin: germline. Affected: yes. Observed: 1 variant allele.

Revvity Omics, Revvity
Classification: Likely pathogenic. Last evaluated: 2020-04-20. Review status: criteria provided, single submitter. Criteria: ACMG Guidelines, 2015. Collection method: clinical testing. Allele origin: germline.

Baylor Genetics
Classification: Pathogenic for Combined immunodeficiency with skin granulomas. Last evaluated: 2020-02-06. Review status: criteria provided, single submitter. Criteria: ACMG Guidelines, 2015. Collection method: clinical testing. Allele origin: unknown. Affected: yes.
Comment: This variant was determined to be pathogenic according to ACMG Guidelines, 2015 [PMID:25741868].

OMIM
Classification: Pathogenic for OMENN SYNDROME. Last evaluated: 1998-05-29. Review status: no assertion criteria provided. Collection method: literature only. Allele origin: germline. Not counted in ClinVar's aggregate classification.

Literature cited by the submitters: PubMed 9630231 (cited by Labcorp Genetics (formerly Invitae), Labcorp and OMIM); PubMed 16211094 (cited by Labcorp Genetics (formerly Invitae), Labcorp); PubMed 24290284 (cited by Labcorp Genetics (formerly Invitae), Labcorp); PubMed 28783691 (cited by Labcorp Genetics (formerly Invitae), Labcorp); PubMed 14670978 (cited by Labcorp Genetics (formerly Invitae), Labcorp); PubMed 11133745 (cited by Labcorp Genetics (formerly Invitae), Labcorp); PubMed 26596586 (cited by Labcorp Genetics (formerly Invitae), Labcorp).

NM_000448.3(RAG1):c.1682G>A (p.Arg561His)

Gene: RAG1 (recombination activating 1; plus strand). Cytogenetic location: 11p12.
Variant type: single nucleotide variant.
Coding change: c.1682G>A on transcript NM_000448.3 (MANE Select); coding-DNA position 1682, G replaced by A.
Protein change: p.Arg561His; replaces arginine 561 with histidine.
Molecular consequence: missense variant.
Genome position (GRCh38, 1-based): chr11:36,574,986, G>A. VCF-style: chr11-36574986-G-A. GRCh37 (hg19) VCF-style: chr11-36596536-G-A.
Other names: c.1682G>A, p.Arg561His (NM_001377277.1, NM_001377278.1, NM_001377279.1 and 1 more transcripts); short protein forms R561H.
Identifiers: ClinVar variation 13143 (VCV000013143.18), dbSNP rs104894284, ClinGen allele CA122886.
Genomic context (GRCh38, chr11:36,574,986, plus strand): 5'-TGTCTGGACTATCATCCTCTGTGGATGATTACCCAGTGGACACCATTGCAAAGAGGTTCC[G>A]CTATGATTCAGCTTTGGTGTCTGCTTTGATGGACATGGAAGAAGACATCTTGGAAGGCAT-3'
Protein context (NP_000439.2, residues 551-571): YPVDTIAKRF[Arg561His]YDSALVSALM